The following is an entry in ClinVar:

NM_003079.5(SMARCE1):c.319C>G (p.Leu107Val)

Gene: SMARCE1 (SWI/SNF related, matrix associated, actin dependent regulator of chromatin, subfamily e, member 1; minus strand). Cytogenetic location: 17q21.2.
Variant type: single nucleotide variant.
Coding change: c.319C>G on transcript NM_003079.5 (MANE Select); coding-DNA position 319, C replaced by G.
Protein change: p.Leu107Val; replaces leucine 107 with valine.
Molecular consequence: missense variant.
Genome position (GRCh38, 1-based): chr17:40,636,445, G>C on the plus strand (C>G on the coding strand, the complement: SMARCE1 is on the minus strand). VCF-style: chr17-40636445-G-C. GRCh37 (hg19) VCF-style: chr17-38792697-G-C.
Other names: short protein forms L107V.
Identifiers: ClinVar variation 546331 (VCV000546331.2), dbSNP rs1555605789, ClinGen allele CA399367193.
Genomic context (GRCh38, chr17:40,636,445, plus strand): 5'-CCTACCCTACCTTTTCTGCTTCGTATTCGTTTAAATATTCTTGTTTTTCTTCATCAGTGA[G>C]ATCTCGCCACATGCCACCAATAATCTTGCCAATCTCCCACAACTTTAGGTCAGGGTTGGA-3'
Protein context (NP_003070.3, residues 97-117): GKIIGGMWRD[Leu107Val]TDEEKQEYLN

ClinVar aggregate classification (germline): Uncertain significance (1 of 4 stars; one submission).

Submission:

GeneDx
Classification: Uncertain significance. Last evaluated: 2018-05-22. Review status: criteria provided, single submitter. Criteria: GeneDx Variant Classification (06012015). Collection method: clinical testing. Allele origin: germline. Affected: yes.
Comment: A variant of uncertain significance has been identified in the SMARCE1 gene. The L107V variant has not been published as a pathogenic variant, nor has it been reported as a benign variant to our knowledge. The L107V variant is not observed in large population cohorts (Lek et al., 2016). The L107V variant is a conservative amino acid substitution, which is not likely to impact secondary protein structure as these residues share similar properties. However, in-silico analyses, including protein predictors and evolutionary conservation, support a deleterious effect. This substitution is predicted to be within the HMG binding domain. Additionally, missense variants in nearby residues have been reported as likely pathogenic at GeneDx in individuals with Coffin-Siris syndrome. Therefore, based on the currently available information, it is unclear whether this variant is a pathogenic variant or a rare benign variant.